The following is an entry in ClinVar:

NM_000038.6(APC):c.277C>T (p.Leu93Phe)

Gene: APC (APC regulator of Wnt signaling pathway; plus strand). Cytogenetic location: 5q22.2.
Variant type: single nucleotide variant.
Coding change: c.277C>T on transcript NM_000038.6 (MANE Select); coding-DNA position 277, C replaced by T.
Protein change: p.Leu93Phe; replaces leucine 93 with phenylalanine.
Molecular consequence: missense variant. On other transcripts: 5 prime UTR variant (1).
Genome position (GRCh38, 1-based): chr5:112,767,245, C>T. VCF-style: chr5-112767245-C-T. GRCh37 (hg19) VCF-style: chr5-112102942-C-T.
Other names: c.277C>T, p.Leu93Phe (NM_001127510.3, NM_001354895.2, NM_001354896.2 and 2 more transcripts); c.307C>T, p.Leu103Phe (NM_001127511.3, NM_001354897.2, NM_001354902.2); c.202C>T, p.Leu68Phe (NM_001354898.2, NM_001354904.2); c.100C>T, p.Leu34Phe (NM_001354900.2, NM_001354901.2, NM_001354905.2); c.-759C>T (NM_001354906.2); short protein forms L68F, L93F, L103F, L34F.
Identifiers: ClinVar variation 821797 (VCV000821797.16), dbSNP rs201567345, ClinGen allele CA16021943.

ClinVar aggregate classification (germline): Uncertain significance. Review status: criteria provided, multiple submitters, no conflicts (2 of 4 stars). 2 submissions from 2 submitters: Uncertain significance (2). Last evaluated 2025-03-07.

Conditions:
Hereditary cancer-predisposing syndrome. Also called: Tumor predisposition; Hereditary Cancer Syndrome; Neoplastic Syndromes, Hereditary; Hereditary neoplastic syndrome. Identifiers: Orphanet 140162, MedGen C0027672, MeSH D009386, MONDO:0015356.
Familial adenomatous polyposis 1 (FAP1). Also called: FAMILIAL ADENOMATOUS POLYPOSIS 1, ATTENUATED; POLYPOSIS, ADENOMATOUS INTESTINAL. Identifiers: MedGen C2713442, MONDO:0021056, OMIM 175100. Disease mechanism: loss of function.

Submissions (2):

Labcorp Genetics (formerly Invitae), Labcorp
Classification: Uncertain significance for Familial adenomatous polyposis 1. Last evaluated: 2025-03-07. Review status: criteria provided, single submitter. Criteria: Invitae Variant Classification Sherloc (09022015). Collection method: clinical testing. Allele origin: germline.
Comment: This sequence change replaces leucine, which is neutral and non-polar, with phenylalanine, which is neutral and non-polar, at codon 93 of the APC protein (p.Leu93Phe). This variant is not present in population databases (gnomAD no frequency). This variant has not been reported in the literature in individuals affected with APC-related conditions. ClinVar contains an entry for this variant (Variation ID: 821797). Invitae Evidence Modeling of protein sequence and biophysical properties (such as structural, functional, and spatial information, amino acid conservation, physicochemical variation, residue mobility, and thermodynamic stability) indicates that this missense variant is not expected to disrupt APC protein function with a negative predictive value of 95%. In summary, the available evidence is currently insufficient to determine the role of this variant in disease. Therefore, it has been classified as a Variant of Uncertain Significance.

Ambry Genetics
Classification: Uncertain significance for Hereditary cancer-predisposing syndrome. Last evaluated: 2025-02-28. Review status: criteria provided, single submitter. Criteria: Ambry Variant Classification Scheme 2023. Collection method: clinical testing. Allele origin: germline.
Comment: The p.L93F variant (also known as c.277C>T), located in coding exon 3 of the APC gene, results from a C to T substitution at nucleotide position 277. The leucine at codon 93 is replaced by phenylalanine, an amino acid with highly similar properties. This amino acid position is not well conserved in available vertebrate species. In addition, in silico predictors for this gene do not accurately predict pathogenicity. Since supporting evidence is limited at this time, the clinical significance of this alteration remains unclear.